The following is an entry in ClinVar:

NM_003640.5(ELP1):c.67T>C (p.Cys23Arg)

Gene: ELP1 (elongator acetyltransferase complex subunit 1; minus strand). Cytogenetic location: 9q31.3.
Variant type: single nucleotide variant.
Coding change: c.67T>C on transcript NM_003640.5 (MANE Select); coding-DNA position 67, T replaced by C.
Protein change: p.Cys23Arg; replaces cysteine 23 with arginine.
Molecular consequence: missense variant. On other transcripts: 5 prime UTR variant (1), intron variant (1).
Genome position (GRCh38, 1-based): chr9:108,931,080, A>G on the plus strand (T>C on the coding strand, the complement: ELP1 is on the minus strand). VCF-style: chr9-108931080-A-G. GRCh37 (hg19) VCF-style: chr9-111693360-A-G.
Other names: c.-793T>C (NM_001330749.2); c.-252-24T>C (NM_001318360.2); short protein forms C23R.
Identifiers: ClinVar variation 1800160 (VCV001800160.5), dbSNP rs1481645757, ClinGen allele CA374395070.
Genomic context (GRCh38, chr9:108,931,080, plus strand): 5'-CTATCAGGCCATGTTCTGAACCAATGAGCACCGTCCCCTGTTCAGTTCGGAGAGAGAAGC[A>G]CTGAGGATTCCCTGGACCTTGAATATCCCTGAACTCCAGGGTCCGAAATAATTTCAGATT-3'
Protein context (NP_003631.2, residues 13-33): RDIQGPGNPQ[Cys23Arg]FSLRTEQGTV

ClinVar aggregate classification (germline): Uncertain significance. Review status: criteria provided, multiple submitters, no conflicts (2 of 4 stars). 3 submissions from 3 submitters: Uncertain significance (3). Last evaluated 2023-12-28.

Conditions:
Familial dysautonomia. Also called: FD; HSAN III. Identifiers: Orphanet 1764, MedGen C0013364, MONDO:0009131, OMIM 223900. Disease mechanism: loss of function.
Medulloblastoma (MDB). Also called: MEDULLOBLASTOMA PREDISPOSITION SYNDROME; Medulloblastoma, somatic. Identifiers: Orphanet 616, MedGen C0025149, MeSH D008527, MONDO:0007959, OMIM 155255, HP:0002885.

Allele frequency attached by ClinVar (database versions not stated): TOPMed below 0.00001; gnomAD 0.00001.
gnomAD v4.1: 2 of 1,613,930 alleles (0.00012%); highest among the groups gnomAD compares: African/African-American, 0.0027%; no homozygotes.

Submissions (3):

Fulgent Genetics
Classification: Uncertain significance for Medulloblastoma; Familial dysautonomia. Last evaluated: 2023-12-28. Review status: criteria provided, single submitter. Criteria: ACMG Guidelines, 2015. Collection method: clinical testing. Allele origin: germline.

Labcorp Genetics (formerly Invitae), Labcorp
Classification: Uncertain significance. Last evaluated: 2021-12-23. Review status: criteria provided, single submitter. Criteria: Invitae Variant Classification Sherloc (09022015). Collection method: clinical testing. Allele origin: germline.
Comment: This sequence change replaces cysteine, which is neutral and slightly polar, with arginine, which is basic and polar, at codon 23 of the ELP1 protein (p.Cys23Arg). This variant is present in population databases (no rsID available, gnomAD 0.01%). This variant has not been reported in the literature in individuals affected with ELP1-related conditions. Algorithms developed to predict the effect of missense changes on protein structure and function are either unavailable or do not agree on the potential impact of this missense change (SIFT: "Tolerated"; PolyPhen-2: "Probably Damaging"; Align-GVGD: "Class C0"). In summary, the available evidence is currently insufficient to determine the role of this variant in disease. Therefore, it has been classified as a Variant of Uncertain Significance.

Ambry Genetics
Classification: Uncertain significance. Last evaluated: 2020-02-05. Review status: criteria provided, single submitter. Criteria: Ambry Variant Classification Scheme 2023. Collection method: clinical testing. Allele origin: germline.
Comment: The p.C23R variant (also known as c.67T>C), located in coding exon 1 of the IKBKAP gene, results from a T to C substitution at nucleotide position 67. The cysteine at codon 23 is replaced by arginine, an amino acid with highly dissimilar properties. This amino acid position is highly conserved in available vertebrate species. In addition, the in silico prediction for this alteration is inconclusive. Since supporting evidence is limited at this time, the clinical significance of this alteration remains unclear.